The following is an entry in ClinVar:

NM_000051.4(ATM):c.3820C>G (p.Gln1274Glu)

Gene: ATM (ATM serine/threonine kinase; plus strand). Cytogenetic location: 11q22.3.
Variant type: single nucleotide variant.
Coding change: c.3820C>G on transcript NM_000051.4 (MANE Select); coding-DNA position 3820, C replaced by G.
Protein change: p.Gln1274Glu; replaces glutamine 1274 with glutamic acid.
Molecular consequence: missense variant.
Genome position (GRCh38, 1-based): chr11:108,284,300, C>G. VCF-style: chr11-108284300-C-G. GRCh37 (hg19) VCF-style: chr11-108155027-C-G.
Other names: c.3820C>G, p.Gln1274Glu (NM_001351834.2); short protein forms Q1274E.
Identifiers: ClinVar variation 2117470 (VCV002117470.6), dbSNP rs1453429915, ClinGen allele CA382524878.
Genomic context (GRCh38, chr11:108,284,300, plus strand): 5'-GTTTTGATTCCACATCTGGTGATTAGAAGTCATTTTGATGAGGTGAAGTCCATTGCTAAT[C>G]AGATTCAAGAGGACTGGAAAAGTCTTCTAACAGACTGCTTTCCAAAGATTCTTGTAAATA-3'
Protein context (NP_000042.3, residues 1264-1284): HFDEVKSIAN[Gln1274Glu]IQEDWKSLLT

ClinVar aggregate classification (germline): Uncertain significance. Review status: criteria provided, multiple submitters, no conflicts (2 of 4 stars). 2 submissions from 2 submitters: Uncertain significance (2). Last evaluated 2022-03-26.

Conditions:
Ataxia-telangiectasia syndrome (AT). Also called: Ataxia-telangiectasia; AT, COMPLEMENTATION GROUP C; ATAXIA-TELANGIECTASIA, COMPLEMENTATION GROUP A; ATAXIA-TELANGIECTASIA, FRESNO VARIANT; Ataxia-telangiectasia, complementation group E; LOUIS-BAR SYNDROME. Identifiers: Orphanet 100, MedGen C0004135, MONDO:0008840, OMIM 208900.
Hereditary cancer-predisposing syndrome. Also called: Tumor predisposition; Hereditary Cancer Syndrome; Neoplastic Syndromes, Hereditary; Hereditary neoplastic syndrome. Identifiers: Orphanet 140162, MedGen C0027672, MeSH D009386, MONDO:0015356.

Submissions (2):

Labcorp Genetics (formerly Invitae), Labcorp
Classification: Uncertain significance for Ataxia-telangiectasia syndrome. Last evaluated: 2022-03-26. Review status: criteria provided, single submitter. Criteria: Invitae Variant Classification Sherloc (09022015). Collection method: clinical testing. Allele origin: germline.
Comment: In summary, the available evidence is currently insufficient to determine the role of this variant in disease. Therefore, it has been classified as a Variant of Uncertain Significance. Advanced modeling of protein sequence and biophysical properties (such as structural, functional, and spatial information, amino acid conservation, physicochemical variation, residue mobility, and thermodynamic stability) performed at Invitae indicates that this missense variant is not expected to disrupt ATM protein function. This variant has not been reported in the literature in individuals affected with ATM-related conditions. This variant is not present in population databases (gnomAD no frequency). This sequence change replaces glutamine, which is neutral and polar, with glutamic acid, which is acidic and polar, at codon 1274 of the ATM protein (p.Gln1274Glu).

Color Diagnostics, LLC DBA Color Health
Classification: Uncertain significance for Hereditary cancer-predisposing syndrome. Last evaluated: 2021-10-06. Review status: criteria provided, single submitter. Criteria: ACMG Guidelines, 2015. Collection method: clinical testing. Allele origin: germline.
Comment: This missense variant replaces glutamine with glutamic acid at codon 1274 of the ATM protein. Computational prediction suggests that this variant may not impact protein structure and function (internally defined REVEL score threshold <= 0.5, PMID: 27666373). To our knowledge, functional studies have not been reported for this variant. This variant has been reported in an individual affected with papillary thyroid cancer (PMID: 29615459). This variant has not been identified in the general population by the Genome Aggregation Database (gnomAD). The available evidence is insufficient to determine the role of this variant in disease conclusively. Therefore, this variant is classified as a Variant of Uncertain Significance.

Literature cited by the submitters: PubMed 29615459 (cited by Color Diagnostics, LLC DBA Color Health).